The following is an entry in ClinVar:

NM_002519.3(NPAT):c.2969A>G (p.Lys990Arg)

Gene: NPAT (nuclear protein, coactivator of histone transcription; minus strand). Cytogenetic location: 11q22.3.
Variant type: single nucleotide variant.
Coding change: c.2969A>G on transcript NM_002519.3 (MANE Select); coding-DNA position 2969, A replaced by G.
Protein change: p.Lys990Arg; replaces lysine 990 with arginine.
Molecular consequence: missense variant.
Genome position (GRCh38, 1-based): chr11:108,169,785, T>C on the plus strand (A>G on the coding strand, the complement: NPAT is on the minus strand). VCF-style: chr11-108169785-T-C. GRCh37 (hg19) VCF-style: chr11-108040512-T-C.
Other names: c.2969A>G, p.Lys990Arg (NM_001321307.1); short protein forms K990R.
Identifiers: ClinVar variation 1798247 (VCV001798247.2), dbSNP rs373422788, ClinGen allele CA382511841.
Genomic context (GRCh38, chr11:108,169,785, plus strand): 5'-ATGAAATTAAAAATGGTACCTATACAAGGCTTGTTTCTTAGTCCCTGAGCCTTCTGAGAT[T>C]TTGGAGGGACGGGGAATTGAGGGATACTTCTATTGCATACAGGTGCTGTCAAAGGCATAT-3'
Protein context (NP_002510.2, residues 980-1000): RSIPQFPVPP[Lys990Arg]SQKAQGLRNK

ClinVar aggregate classification (germline): Uncertain significance (1 of 4 stars; one submission).

Submission:

Ambry Genetics
Classification: Uncertain significance. Last evaluated: 2021-10-19. Review status: criteria provided, single submitter. Criteria: Ambry Variant Classification Scheme 2023. Collection method: clinical testing. Allele origin: germline.
Comment: The p.K990R variant (also known as c.2969A>G), located in coding exon 15 of the NPAT gene, results from an A to G substitution at nucleotide position 2969. The lysine at codon 990 is replaced by arginine, an amino acid with highly similar properties. This amino acid position is conserved. In addition, this alteration is predicted to be tolerated by in silico analysis. Since supporting evidence is limited at this time, the clinical significance of this alteration remains unclear.